The following is an entry in ClinVar:

NM_001365276.2(TNXB):c.6505G>C (p.Gly2169Arg)

Gene: TNXB (tenascin XB; minus strand). Cytogenetic location: 6p21.33.
Variant type: single nucleotide variant.
Coding change: c.6505G>C on transcript NM_001365276.2 (MANE Select); coding-DNA position 6505, G replaced by C.
Protein change: p.Gly2169Arg; replaces glycine 2169 with arginine.
Molecular consequence: missense variant.
Genome position (GRCh38, 1-based): chr6:32,067,700, C>G on the plus strand (G>C on the coding strand, the complement: TNXB is on the minus strand). VCF-style: chr6-32067700-C-G. GRCh37 (hg19) VCF-style: chr6-32035477-C-G.
Other names: c.6505G>C, p.Gly2169Arg (NM_019105.8); short protein forms G2169R.
Identifiers: ClinVar variation 1753933 (VCV001753933.2), dbSNP rs757858505, ClinGen allele CA363398488.

ClinVar aggregate classification (germline): Uncertain significance (1 of 4 stars; one submission).

Conditions:
Cardiovascular phenotype. Identifiers: MedGen CN230736.

Submission:

Ambry Genetics
Classification: Uncertain significance for Cardiovascular phenotype. Last evaluated: 2022-05-09. Review status: criteria provided, single submitter. Criteria: Ambry Variant Classification Scheme 2023. Collection method: clinical testing. Allele origin: germline.
Comment: The p.G2169R variant (also known as c.6505G>C), located in coding exon 17 of the TNXB gene, results from a G to C substitution at nucleotide position 6505. The glycine at codon 2169 is replaced by arginine, an amino acid with dissimilar properties. This amino acid position is conserved. In addition, this alteration is predicted to be tolerated by in silico analysis. Since supporting evidence is limited at this time, the clinical significance of this alteration remains unclear.